The following is an entry in ClinVar:

ClinVar aggregate classification (germline): Pathogenic (1 of 4 stars; one submission).

Submission:

GeneDx
Classification: Pathogenic. Last evaluated: 2025-05-14. Review status: criteria provided, single submitter. Criteria: GeneDx Variant Classification Process June 2021. Collection method: clinical testing. Allele origin: germline. Affected: yes.
Comment: Frameshift variant predicted to result in protein truncation or nonsense mediated decay in a gene for which loss of function is a known mechanism of disease; Not observed at significant frequency in large population cohorts (gnomAD); This variant is associated with the following publications: (PMID: 20637903)

NM_004586.3(RPS6KA3):c.896del (p.Leu299fs)

Gene: RPS6KA3 (ribosomal protein S6 kinase A3; minus strand). Cytogenetic location: Xp22.12.
Variant type: Deletion.
Coding change: c.896del on transcript NM_004586.3 (MANE Select); coding-DNA position 896, one base deleted (T; older notation c.896delT).
Protein change: p.Leu299fs; shifts the reading frame from leucine 299.
Molecular consequence: frameshift variant.
Genome position (GRCh38, 1-based): chrX:20,177,034, A deleted on the plus strand (T on the coding strand, the reverse complement: RPS6KA3 is on the minus strand); the first of 4 consecutive A bases (chrX:20,177,034-20,177,037); deleting any one gives the same sequence. VCF-style (leftmost placement, unchanged base first): chrX-20177033-TA-T. GRCh37 (hg19) VCF-style: chrX-20195151-TA-T.
Other names: c.812del, p.Leu271fs (NM_001438340.1); short protein forms L271fs, L299fs.
Identifiers: ClinVar variation 4529513 (VCV004529513.1).
Genomic context (GRCh38, chrX:20,177,033, plus strand): 5'-AACAAATTAGTTAAAATTTTTACCTAATCTGTTTGCAGGATTTCGCTTGAAAAGCATTCG[TA>T]AAAGACTCTGCGCTTCAGGACTCAAAAACTGTGGCATTCCAAGTTTGGCTCTAAATAATA-3'